The following is an entry in ClinVar:

ClinVar aggregate classification (germline): Pathogenic (1 of 4 stars; one submission).

Submission:

Labcorp Genetics (formerly Invitae), Labcorp
Classification: Pathogenic. Last evaluated: 2024-11-22. Review status: criteria provided, single submitter. Criteria: Invitae Variant Classification Sherloc (09022015). Collection method: clinical testing. Allele origin: germline.
Comment: This sequence change creates a premature translational stop signal (p.Glu34Lysfs*4) in the PAFAH1B1 gene. It is expected to result in an absent or disrupted protein product. Loss-of-function variants in PAFAH1B1 are known to be pathogenic (PMID: 1671808, 11115846, 14581661). This variant is not present in population databases (gnomAD no frequency). This variant has not been reported in the literature in individuals affected with PAFAH1B1-related conditions. For these reasons, this variant has been classified as Pathogenic.

Literature cited by the submitters: PubMed 1671808; PubMed 11115846; PubMed 14581661.

NM_000430.4(PAFAH1B1):c.100del (p.Glu34fs)

Gene: PAFAH1B1 (platelet activating factor acetylhydrolase 1b regulatory subunit 1; plus strand). Cytogenetic location: 17p13.3.
Variant type: Deletion.
Coding change: c.100del on transcript NM_000430.4 (MANE Select); coding-DNA position 100, one base deleted (G; older notation c.100delG).
Protein change: p.Glu34fs; shifts the reading frame from glutamic acid 34.
Molecular consequence: frameshift variant.
Genome position (GRCh38, 1-based): chr17:2,665,439, G deleted; the last of 2 consecutive G bases (chr17:2,665,438-2,665,439); deleting either gives the same sequence. VCF-style (leftmost placement, unchanged base first): chr17-2665437-AG-A. GRCh37 (hg19) VCF-style: chr17-2568731-AG-A.
Other names: short protein forms E34fs.
Identifiers: ClinVar variation 3725866 (VCV003725866.2).